The following is an entry in ClinVar:

ClinVar aggregate classification (germline): Uncertain significance (1 of 4 stars; one submission).

Conditions:
Nemaline myopathy 10 (NEM10). Identifiers: MedGen C4015360, MONDO:0014513, OMIM 616165.

Allele frequency attached by ClinVar (database versions not stated): gnomAD exomes below 0.00001 and 0.00001; ExAC 0.00001; gnomAD 0.00001.
gnomAD v4.1: 11 of 1,613,850 alleles (0.00068%); highest among the groups gnomAD compares: Admixed American, 0.0017%; no homozygotes.

Submission:

Labcorp Genetics (formerly Invitae), Labcorp
Classification: Uncertain significance for Nemaline myopathy 10. Last evaluated: 2022-06-20. Review status: criteria provided, single submitter. Criteria: Invitae Variant Classification Sherloc (09022015). Collection method: clinical testing. Allele origin: germline.
Comment: This sequence change replaces asparagine, which is neutral and polar, with serine, which is neutral and polar, at codon 291 of the LMOD3 protein (p.Asn291Ser). Algorithms developed to predict the effect of missense changes on protein structure and function (SIFT, PolyPhen-2, Align-GVGD) all suggest that this variant is likely to be disruptive. In summary, the available evidence is currently insufficient to determine the role of this variant in disease. Therefore, it has been classified as a Variant of Uncertain Significance. ClinVar contains an entry for this variant (Variation ID: 850541). This variant has not been reported in the literature in individuals affected with LMOD3-related conditions. This variant is present in population databases (rs768467240, gnomAD 0.0009%).

NM_198271.5(LMOD3):c.872A>G (p.Asn291Ser)

Gene: LMOD3 (leiomodin 3; minus strand). Cytogenetic location: 3p14.1.
Variant type: single nucleotide variant.
Coding change: c.872A>G on transcript NM_198271.5 (MANE Select); coding-DNA position 872, A replaced by G.
Protein change: p.Asn291Ser; replaces asparagine 291 with serine.
Molecular consequence: missense variant.
Genome position (GRCh38, 1-based): chr3:69,119,483, T>C on the plus strand (A>G on the coding strand, the complement: LMOD3 is on the minus strand). VCF-style: chr3-69119483-T-C. GRCh37 (hg19) VCF-style: chr3-69168634-T-C.
Other names: c.872A>G, p.Asn291Ser (NM_001304418.3); short protein forms N291S.
Identifiers: ClinVar variation 850541 (VCV000850541.5), dbSNP rs768467240, ClinGen allele CA2488903.